The following is an entry in ClinVar:

ClinVar aggregate classification (germline): Likely benign (1 of 4 stars; one submission).

gnomAD v4.1: 26 of 1,613,304 alleles (0.0016%); highest among the groups gnomAD compares: Admixed American, 0.013%; no homozygotes.

Submission:

CeGaT Center for Human Genetics Tuebingen
Classification: Likely benign. Last evaluated: 2025-09-01. Review status: criteria provided, single submitter. Criteria: CeGaT Center For Human Genetics Tuebingen Variant Classification Criteria Version 2. Collection method: clinical testing. Allele origin: germline. Affected: yes. Observed: 1 variant allele.
Comment: PPP1R21: BP4, BP7

NM_001135629.3(PPP1R21):c.2172C>T (p.Ile724=)

Gene: PPP1R21 (protein phosphatase 1 regulatory subunit 21; plus strand). Cytogenetic location: 2p16.3.
Variant type: single nucleotide variant.
Coding change: c.2172C>T on transcript NM_001135629.3 (MANE Select); coding-DNA position 2172, C replaced by T.
Protein change: p.Ile724=; no amino-acid change (isoleucine 724 retained).
Molecular consequence: synonymous variant. On other transcripts: non-coding transcript variant (1).
Genome position (GRCh38, 1-based): chr2:48,510,101, C>T. VCF-style: chr2-48510101-C-T. GRCh37 (hg19) VCF-style: chr2-48737240-C-T.
Other names: c.2046C>T, p.Ile682= (NM_001193475.2); c.2139C>T, p.Ile713= (NM_152994.5).
Identifiers: ClinVar variation 4280998 (VCV004280998.7).